The following is an entry in ClinVar:

NM_001267550.2(TTN):c.95962G>A (p.Val31988Met)

Genes: TTN-AS1 (TTN antisense RNA 1; plus strand), TTN (titin; minus strand). Cytogenetic location: 2q31.2.
Variant type: single nucleotide variant.
Coding change: c.95962G>A on transcript NM_001267550.2 (MANE Select); coding-DNA position 95962, G replaced by A.
Protein change: p.Val31988Met; replaces valine 31988 with methionine.
Molecular consequence: missense variant.
Genome position (GRCh38, 1-based): chr2:178,544,267, C>T on the plus strand (G>A on the coding strand, the complement: TTN is on the minus strand). VCF-style: chr2-178544267-C-T. GRCh37 (hg19) VCF-style: chr2-179408994-C-T.
Other names: p.V30347M:GTG>ATG; c.91039G>A, p.Val30347Met (NM_001256850.1); c.68767G>A, p.Val22923Met (NM_003319.4); c.88258G>A, p.Val29420Met (NM_133378.4); c.69142G>A, p.Val23048Met (NM_133432.3); c.69343G>A, p.Val23115Met (NM_133437.4); short protein forms V30347M, V31988M, V29420M, V22923M, V23048M, V23115M.
Identifiers: ClinVar variation 203018 (VCV000203018.52), dbSNP rs756469423, ClinGen allele CA310992.

ClinVar aggregate classification (germline): Uncertain significance. Review status: criteria provided, multiple submitters, no conflicts (2 of 4 stars). 7 submissions from 7 submitters: Uncertain significance (6). 1 of the submissions does not count toward it. Last evaluated 2026-05-13.

Conditions:
TTN-related disorder. Also called: TTN-related condition; TTN-related disease; TTN-related disorders.
Cardiovascular phenotype. Identifiers: MedGen CN230736.
Autosomal recessive limb-girdle muscular dystrophy type 2J (LGMDR10). Also called: Limb-girdle muscular dystrophy, type 2J; MUSCULAR DYSTROPHY, LIMB-GIRDLE, AUTOSOMAL RECESSIVE 10. Identifiers: Orphanet 140922, MedGen C1837342, MONDO:0012127, OMIM 608807.
Dilated cardiomyopathy 1G (CMD1G). Identifiers: Orphanet 154, MedGen C1858763, MONDO:0011400, OMIM 604145.

Allele frequency attached by ClinVar (database versions not stated): ExAC 0.00003; gnomAD exomes 0.00004; TOPMed 0.00004; gnomAD 0.00005 and 0.00007.

Submissions (7):

PreventionGenetics, part of Exact Sciences
Classification: Uncertain significance for TTN-related condition. Last evaluated: 2026-05-13. Review status: criteria provided, single submitter. Criteria: ACMG Guidelines, 2015. Collection method: clinical testing. Allele origin: germline.
Comment: The TTN c.95962G>A variant is predicted to result in the amino acid substitution p.Val31988Met. To our knowledge, this variant has not been reported in the literature. This variant is reported in 0.013% of alleles in individuals of South Asian descent in gnomAD. At this time, the clinical significance of this variant is uncertain due to the absence of conclusive functional and genetic evidence.

Revvity Omics, Revvity
Classification: Uncertain significance. Last evaluated: 2024-05-07. Review status: criteria provided, single submitter. Criteria: ACMG Guidelines, 2015. Collection method: clinical testing. Allele origin: germline.

CeGaT Center for Human Genetics Tuebingen
Classification: Uncertain significance. Last evaluated: 2022-03-01. Review status: criteria provided, single submitter. Criteria: CeGaT Center For Human Genetics Tuebingen Variant Classification Criteria Version 2. Collection method: clinical testing. Allele origin: germline. Affected: yes. Observed: 2 variant alleles.

Ambry Genetics
Classification: Uncertain significance for Cardiovascular phenotype. Last evaluated: 2018-08-23. Review status: criteria provided, single submitter. Criteria: Ambry Variant Classification Scheme 2023. Collection method: clinical testing. Allele origin: germline.
Comment: The p.V22923M variant (also known as c.68767G>A), located in coding exon 172 of the TTN gene, results from a G to A substitution at nucleotide position 68767. The valine at codon 22923 is replaced by methionine, an amino acid with highly similar properties. This amino acid position is not well conserved in available vertebrate species, and methionine is the reference amino acid in other vertebrate species. In addition, this alteration is predicted to be tolerated by in silico analysis. Since supporting evidence is limited at this time, the clinical significance of this alteration remains unclear.

Labcorp Genetics (formerly Invitae), Labcorp
Classification: Uncertain significance for Dilated cardiomyopathy 1G; Autosomal recessive limb-girdle muscular dystrophy type 2J. Last evaluated: 2017-11-20. Review status: criteria provided, single submitter. Criteria: Invitae Variant Classification Sherloc (09022015). Collection method: clinical testing. Allele origin: germline.

GeneDx
Classification: Uncertain significance. Last evaluated: 2013-08-12. Review status: criteria provided, single submitter. Criteria: GeneDx Variant Classification (06012015). Collection method: clinical testing. Allele origin: germline. Affected: yes.
Comment: Missense variants in the TTN gene are considered 'unclassified' if they are not previously reported in the literature and do not have >1% frequency in the population to be considered a polymorphism. Research indicates that truncating mutations in the TTN gene are expected to account for approximately 25% of familial and 18% of sporadic idiopathic DCM; however, truncating variants in the TTN gene have been reported in approximately 3% of reported control alleles. There has been little investigation into non-truncating variants. (Herman D et al. Truncations of titin causing dilated cardiomyopathy. N Eng J Med 366:619-628, 2012) The variant is found in DCM panel(s).

Department of Pathology and Laboratory Medicine, Sinai Health System
Classification: Uncertain significance. Review status: no assertion criteria provided. Collection method: clinical testing. Allele origin: unknown. Affected: yes. Study: The Canadian Open Genetics Repository (COGR). Not counted in ClinVar's aggregate classification.
Comment: The TTN p.Val23115Met variant was not identified in the literature nor was it identified in LOVD 3.0. The variant was identified in dbSNP (ID: rs756469423) and ClinVar (classified as uncertain significance by GeneDx and Invitae). The variant was identified in control databases in 12 of 279952 chromosomes at a frequency of 0.00004286 (Genome Aggregation Database March 6, 2019, v2.1.1). The variant was observed in the following populations: South Asian in 4 of 30598 chromosomes (freq: 0.000131), East Asian in 2 of 19502 chromosomes (freq: 0.000103), African in 1 of 24192 chromosomes (freq: 0.000041) and European (non-Finnish) in 5 of 127866 chromosomes (freq: 0.000039), but was not observed in the Latino, Ashkenazi Jewish, European (Finnish), or Other populations. The p.Val23115 residue has limited species conservation data and computational analyses (BLOSUM, MutationTaster) provide inconsistent predictions regarding the impact to the protein. The variant occurs outside of the splicing consensus sequence and in silico or computational prediction software programs (SpliceSiteFinder, MaxEntScan, NNSPLICE, GeneSplicer) do not predict a difference in splicing. In summary, based on the above information the clinical significance of this variant cannot be determined with certainty at this time. This variant is classified as a variant of uncertain significance.